The following is an entry in ClinVar:

ClinVar aggregate classification (germline): Uncertain significance (1 of 4 stars; one submission).

Conditions:
Hereditary cancer-predisposing syndrome. Also called: Neoplastic Syndromes, Hereditary; Hereditary Cancer Syndrome; Hereditary neoplastic syndrome; Tumor predisposition. Identifiers: Orphanet 140162, MedGen C0027672, MeSH D009386, MONDO:0015356.

Submission:

Ambry Genetics
Classification: Uncertain significance for Hereditary cancer-predisposing syndrome. Last evaluated: 2023-04-23. Review status: criteria provided, single submitter. Criteria: Ambry Variant Classification Scheme 2023. Collection method: clinical testing. Allele origin: germline.
Comment: The p.C119W variant (also known as c.357T>G), located in coding exon 5 of the RAD51D gene, results from a T to G substitution at nucleotide position 357. The cysteine at codon 119 is replaced by tryptophan, an amino acid with highly dissimilar properties. This amino acid position is conserved. In addition, the in silico prediction for this alteration is inconclusive. Since supporting evidence is limited at this time, the clinical significance of this alteration remains unclear.

NM_002878.4(RAD51D):c.357T>G (p.Cys119Trp)

Genes: RAD51D (RAD51 paralog D; minus strand), RAD51L3-RFFL (RAD51L3-RFFL readthrough; minus strand). Cytogenetic location: 17q12.
Variant type: single nucleotide variant.
Coding change: c.357T>G on transcript NM_002878.4 (MANE Select); coding-DNA position 357, T replaced by G.
Protein change: p.Cys119Trp; replaces cysteine 119 with tryptophan.
Molecular consequence: missense variant. On other transcripts: non-coding transcript variant (1), intron variant (1).
Genome position (GRCh38, 1-based): chr17:35,107,111, A>C on the plus strand (T>G on the coding strand, the complement: RAD51D is on the minus strand). VCF-style: chr17-35107111-A-C. GRCh37 (hg19) VCF-style: chr17-33434130-A-C.
Other names: c.417T>G, p.Cys139Trp (NM_001142571.2); c.145-630T>G (NM_133629.3); short protein forms C119W, C139W.
Identifiers: ClinVar variation 2563034 (VCV002563034.2), dbSNP rs1272809785, ClinGen allele CA399089387.